The following is an entry in ClinVar:

ClinVar aggregate classification (germline): Uncertain significance (1 of 4 stars; one submission).

Allele frequency attached by ClinVar (database versions not stated): gnomAD exomes below 0.00001.
gnomAD v4.1: 1 of 1,614,098 alleles (0.000062%); highest among the groups gnomAD compares: Non-Finnish European, 0.000085%; no homozygotes.

Submission:

Labcorp Genetics (formerly Invitae), Labcorp
Classification: Uncertain significance. Last evaluated: 2022-07-30. Review status: criteria provided, single submitter. Criteria: Invitae Variant Classification Sherloc (09022015). Collection method: clinical testing. Allele origin: germline.
Comment: This sequence change replaces asparagine, which is neutral and polar, with serine, which is neutral and polar, at codon 1365 of the ABCA12 protein (p.Asn1365Ser). This variant is not present in population databases (gnomAD no frequency). This variant has not been reported in the literature in individuals affected with ABCA12-related conditions. Advanced modeling of protein sequence and biophysical properties (such as structural, functional, and spatial information, amino acid conservation, physicochemical variation, residue mobility, and thermodynamic stability) performed at Invitae indicates that this missense variant is not expected to disrupt ABCA12 protein function. In summary, the available evidence is currently insufficient to determine the role of this variant in disease. Therefore, it has been classified as a Variant of Uncertain Significance.

NM_173076.3(ABCA12):c.4094A>G (p.Asn1365Ser)

Gene: ABCA12 (ATP binding cassette subfamily A member 12; minus strand). Cytogenetic location: 2q35.
Variant type: single nucleotide variant.
Coding change: c.4094A>G on transcript NM_173076.3 (MANE Select); coding-DNA position 4094, A replaced by G.
Protein change: p.Asn1365Ser; replaces asparagine 1365 with serine.
Molecular consequence: missense variant. On other transcripts: non-coding transcript variant (1).
Genome position (GRCh38, 1-based): chr2:214,986,611, T>C on the plus strand (A>G on the coding strand, the complement: ABCA12 is on the minus strand). VCF-style: chr2-214986611-T-C. GRCh37 (hg19) VCF-style: chr2-215851335-T-C.
Other names: c.3140A>G, p.Asn1047Ser (NM_015657.4); short protein forms N1047S, N1365S.
Identifiers: ClinVar variation 1958285 (VCV001958285.2), dbSNP rs2469245590, ClinGen allele CA350463928.
Genomic context (GRCh38, chr2:214,986,611, plus strand): 5'-GTTTTCCCAGCTCCATTGGGCCCCAGCAATGAAGTAATATGCCCTTCATAAAAGTTCAGA[T>C]TGAGGTTATCAACAGCAACTTTTGAGCCATAGATCTTTGTGACCCCATGCAGGGCAACCC-3'
Protein context (NP_775099.2, residues 1355-1375): YGSKVAVDNL[Asn1365Ser]LNFYEGHITS